The following is an entry in ClinVar:

ClinVar aggregate classification (germline): Benign (1 of 4 stars; one submission).

Allele frequency attached by ClinVar (database versions not stated): ESP Exome Variant Server 0.13701; gnomAD 0.14800; TOPMed 0.15324; gnomAD exomes 0.15810; 1000 Genomes Project 30x 0.16802; 1000 Genomes Project 0.17133; ExAC 0.17192.
gnomAD v4.1: 253,219 of 1,613,470 alleles (16%); highest among the groups gnomAD compares: Admixed American, 29%; 21,724 homozygotes.

Submission:

Unidad de Genómica Garrahan, Hospital de Pediatría Garrahan
Classification: Benign. Last evaluated: 2024-01-24. Review status: criteria provided, single submitter. Criteria: ACMG Guidelines, 2015. Collection method: clinical testing. Allele origin: germline. Affected: no. Observed: 46 variant alleles.
Comment: This variant is classified as Benign based on local population frequency. This variant was detected in 48% of patients studied by a panel of primary immunodeficiencies. Number of patients: 46. Only high quality variants are reported.

NM_001144958.2(CRACR2A):c.582G>A (p.Leu194=)

Gene: CRACR2A (calcium release activated channel regulator 2A; minus strand). Cytogenetic location: 12p13.32.
Variant type: single nucleotide variant.
Coding change: c.582G>A on transcript NM_001144958.2 (MANE Select); coding-DNA position 582, G replaced by A.
Protein change: p.Leu194=; no amino-acid change (leucine 194 retained).
Molecular consequence: synonymous variant.
Genome position (GRCh38, 1-based): chr12:3,673,535, C>T on the plus strand (G>A on the coding strand, the complement: CRACR2A is on the minus strand). VCF-style: chr12-3673535-C-T. GRCh37 (hg19) VCF-style: chr12-3782701-C-T.
Other names: c.582G>A, p.Leu194= (NM_032680.4).
Identifiers: ClinVar variation 2688126 (VCV002688126.2), dbSNP rs17697920, ClinGen allele CA6394651.